The following is an entry in ClinVar:

ClinVar aggregate classification (germline): Likely pathogenic (0 of 4 stars; one submission).

Conditions:
Isolated microphthalmia 5. Also called: Posterior Microphthalmia with Retinitis Pigmentosa, Foveoschisis, and Optic Disc Drusen. Identifiers: Orphanet 251279, MedGen C1970236, MONDO:0012605, OMIM 611040.

Allele frequency attached by ClinVar (database versions not stated): gnomAD exomes below 0.00001.
gnomAD v4.1: 1 of 1,613,942 alleles (0.000062%); highest among the groups gnomAD compares: Non-Finnish European, 0.000085%; no homozygotes.

Submission:

Research Laboratory of Ophthalmology and Vision Sciences, West China Hospital, Sichuan University
Classification: Likely pathogenic for Isolated microphthalmia 5. Last evaluated: 2021-08-18. Review status: no assertion criteria provided. Collection method: clinical testing. Allele origin: germline. Inheritance: Autosomal recessive inheritance. Affected: yes. Observed: 1 homozygote.
Comment: This novel mutation is located in intron1 of NM_031433.4 and results in a splicing variant, impairing the function of MFRP protein.This homozygous variant(c.55-1G>A) is associated with an autosomal recessive syndrome of posterior microphthalmia, atypical retinitis pigmentosa, and retinal schsis. It has not been reported in 1,000 genomes, dbSNP, ESP, ExAC, or Chi-gene in-house MAFs database. It is predicted to be deleterious in MaxEntScan and dbscCNV. Taken together, the variant meets ACMG guidelines to be classified as likely pathogenic.

NM_031433.4(MFRP):c.55-1G>A

Genes: C1QTNF5 (C1q and TNF related 5; minus strand), MFRP (membrane frizzled-related protein; minus strand). Cytogenetic location: 11q23.3.
Variant type: single nucleotide variant.
Coding change: c.55-1G>A on transcript NM_031433.4 (MANE Select); the canonical splice acceptor site of the intron before coding-DNA position 55, G replaced by A.
Molecular consequence: splice acceptor variant.
Genome position (GRCh38, 1-based): chr11:119,346,375, C>T on the plus strand (G>A on the coding strand, the complement: MFRP is on the minus strand). VCF-style: chr11-119346375-C-T. GRCh37 (hg19) VCF-style: chr11-119217085-C-T.
Other names: c.-2582-1G>A (NM_015645.5).
Identifiers: ClinVar variation 1329993 (VCV001329993.5), dbSNP rs2135374862, ClinGen allele CA382979810.